The following is an entry in ClinVar:

ClinVar aggregate classification (germline): Uncertain significance (1 of 4 stars; one submission).

Conditions:
Duchenne muscular dystrophy (DMD). Also called: MUSCULAR DYSTROPHY, PSEUDOHYPERTROPHIC PROGRESSIVE, DUCHENNE TYPE; Duchenne Muscular Dystrophy (DMD). Identifiers: Orphanet 98896, MedGen C0013264, MONDO:0010679, OMIM 310200.

Submission:

Labcorp Genetics (formerly Invitae), Labcorp
Classification: Uncertain significance for Duchenne muscular dystrophy. Last evaluated: 2023-03-14. Review status: criteria provided, single submitter. Criteria: Invitae Variant Classification Sherloc (09022015). Collection method: clinical testing. Allele origin: germline.
Comment: This sequence change replaces serine, which is neutral and polar, with arginine, which is basic and polar, at codon 521 of the DMD protein (p.Ser521Arg). This variant is not present in population databases (gnomAD no frequency). This variant has not been reported in the literature in individuals affected with DMD-related conditions. Advanced modeling of protein sequence and biophysical properties (such as structural, functional, and spatial information, amino acid conservation, physicochemical variation, residue mobility, and thermodynamic stability) performed at Invitae indicates that this missense variant is not expected to disrupt DMD protein function. In summary, the available evidence is currently insufficient to determine the role of this variant in disease. Therefore, it has been classified as a Variant of Uncertain Significance.

NM_004006.3(DMD):c.1561A>C (p.Ser521Arg)

Gene: DMD (dystrophin; minus strand). Cytogenetic location: Xp21.1.
Variant type: single nucleotide variant.
Coding change: c.1561A>C on transcript NM_004006.3 (MANE Select); coding-DNA position 1561, A replaced by C.
Protein change: p.Ser521Arg; replaces serine 521 with arginine.
Molecular consequence: missense variant.
Genome position (GRCh38, 1-based): chrX:32,595,798, T>G on the plus strand (A>C on the coding strand, the complement: DMD is on the minus strand). VCF-style: chrX-32595798-T-G. GRCh37 (hg19) VCF-style: chrX-32613915-T-G.
Other names: c.1537A>C, p.Ser513Arg (NM_000109.4); c.1549A>C, p.Ser517Arg (NM_004009.3); c.1192A>C, p.Ser398Arg (NM_004010.3); short protein forms S517R, S521R, S398R, S513R.
Identifiers: ClinVar variation 2845552 (VCV002845552.3), dbSNP rs2518922717, ClinGen allele CA412665410.
Genomic context (GRCh38, chrX:32,595,798, plus strand): 5'-CTAAGCAAAATAATCTGACCTTAAGTTGTTCTTCCAAAGCAGCAGTTGCGTGATCTCCAC[T>G]AGATTCATCAACTACCACCACCATGTGAGTGAGAGAATTGACCCTGACTTGTTCTTGTTC-3'
Protein context (NP_003997.2, residues 511-531): THMVVVVDES[Ser521Arg]GDHATAALEE